The following is an entry in ClinVar:

ClinVar aggregate classification (germline): Uncertain significance (1 of 4 stars; one submission).

Submission:

Labcorp Genetics (formerly Invitae), Labcorp
Classification: Uncertain significance. Last evaluated: 2025-11-18. Review status: criteria provided, single submitter. Criteria: Invitae Variant Classification Sherloc (09022015). Collection method: clinical testing. Allele origin: germline.
Comment: This sequence change replaces lysine, which is basic and polar, with glutamine, which is neutral and polar, at codon 32 of the SNRPB protein (p.Lys32Gln). This variant is not present in population databases (gnomAD no frequency). This variant has not been reported in the literature in individuals affected with SNRPB-related conditions. An algorithm developed to predict the effect of missense changes on protein structure and function (PolyPhen-2) suggests that this variant is likely to be disruptive. In summary, the available evidence is currently insufficient to determine the role of this variant in disease. Therefore, it has been classified as a Variant of Uncertain Significance.

NM_003091.4(SNRPB):c.94A>C (p.Lys32Gln)

Gene: SNRPB (small nuclear ribonucleoprotein polypeptides B and B1; minus strand). Cytogenetic location: 20p13.
Variant type: single nucleotide variant.
Coding change: c.94A>C on transcript NM_003091.4 (MANE Select); coding-DNA position 94, A replaced by C.
Protein change: p.Lys32Gln; replaces lysine 32 with glutamine.
Molecular consequence: missense variant.
Genome position (GRCh38, 1-based): chr20:2,467,668, T>G on the plus strand (A>C on the coding strand, the complement: SNRPB is on the minus strand). VCF-style: chr20-2467668-T-G. GRCh37 (hg19) VCF-style: chr20-2448314-T-G.
Other names: c.94A>C, p.Lys32Gln (NM_198216.2); short protein forms K32Q.
Identifiers: ClinVar variation 4807356 (VCV004807356.1).
Genomic context (GRCh38, chr20:2,467,668, plus strand): 5'-TGATCTTTCTGAACTCATCACAGTCACAGAGGATCAAATTCATGTGCTTGTCAAAAGCCT[T>G]GAAGGTGCCAATGAAGATCCGGCCGTCCTGCAGGATGCACCTCATCCTGTAATCAATATG-3'
Protein context (NP_003082.1, residues 22-42): QDGRIFIGTF[Lys32Gln]AFDKHMNLIL